The following is an entry in ClinVar:

ClinVar aggregate classification (germline): Uncertain significance (1 of 4 stars; one submission).

Submission:

Women's Health and Genetics/Laboratory Corporation of America, LabCorp
Classification: Uncertain significance. Last evaluated: 2025-07-29. Review status: criteria provided, single submitter. Criteria: LabCorp Variant Classification Summary - May 2015. Collection method: clinical testing. Allele origin: germline.
Comment: Variant summary: GNE c.395G>T (p.Arg132Leu) results in a non-conservative amino acid change in the encoded protein sequence. Algorithms developed to predict the effect of missense changes on protein structure and function all suggest that this variant is likely to be disruptive. The variant was absent in 251206 control chromosomes. To our knowledge, no occurrence of c.395G>T in individuals affected with Inclusion Body Myopathy 2 and no experimental evidence demonstrating its impact on protein function have been reported. Different variant(s) affecting the same codon have been classified as likely pathogenic (c.395G>A, p.Arg132His and c.301C>T , p.Arg101Cys), supporting the critical relevance of codon 132 to GNE protein function. No submitters have cited clinical-significance assessments for this variant to ClinVar. Based on the evidence outlined above, the variant was classified as VUS-possibly pathogenic.

NM_005476.7(GNE):c.302G>T (p.Arg101Leu)

Gene: GNE (glucosamine (UDP-N-acetyl)-2-epimerase/N-acetylmannosamine kinase; minus strand). Cytogenetic location: 9p13.3.
Variant type: single nucleotide variant.
Coding change: c.302G>T on transcript NM_005476.7 (MANE Select); coding-DNA position 302, G replaced by T.
Protein change: p.Arg101Leu; replaces arginine 101 with leucine.
Molecular consequence: missense variant.
Genome position (GRCh38, 1-based): chr9:36,246,345, C>A on the plus strand (G>T on the coding strand, the complement: GNE is on the minus strand). VCF-style: chr9-36246345-C-A. GRCh37 (hg19) VCF-style: chr9-36246342-C-A.
Other names: c.395G>T, p.Arg132Leu (NM_001128227.3); c.302G>T, p.Arg101Leu (NM_001190383.3, NM_001374797.1); c.125G>T, p.Arg42Leu (NM_001190384.3, NM_001190388.2, NM_001374798.1); short protein forms R132L, R42L, R101L.
Identifiers: ClinVar variation 4526141 (VCV004526141.1).
Genomic context (GRCh38, chr9:36,246,345, plus strand): 5'-GTGGCCAGAGCCAGGGCATCAAACCTGTCTCCATGAACAATCATGATATCAGGCTTCAGG[C>A]GATTAAGGACATCTGGCAGCTTCACTAGGGCCAGGCCTACTGACTCCACCATGGCTGCCT-3'
Protein context (NP_005467.1, residues 91-111): ALVKLPDVLN[Arg101Leu]LKPDIMIVHG